The following is an entry in ClinVar:

NM_212482.4(FN1):c.4276G>C (p.Val1426Leu)

Gene: FN1 (fibronectin 1; minus strand). Cytogenetic location: 2q35.
Variant type: single nucleotide variant.
Coding change: c.4276G>C on transcript NM_212482.4 (MANE Select); coding-DNA position 4276, G replaced by C.
Protein change: p.Val1426Leu; replaces valine 1426 with leucine.
Molecular consequence: missense variant.
Genome position (GRCh38, 1-based): chr2:215,388,278, C>G on the plus strand (G>C on the coding strand, the complement: FN1 is on the minus strand). VCF-style: chr2-215388278-C-G. GRCh37 (hg19) VCF-style: chr2-216253001-C-G.
Other names: c.4276G>C, p.Val1426Leu (NM_001306129.2, NM_001365517.2, NM_001365519.2 and 3 more transcripts); c.4003G>C, p.Val1335Leu (NM_001306132.2, NM_001365518.2, NM_001365520.2 and 7 more transcripts); short protein forms V1335L, V1426L.
Identifiers: ClinVar variation 3613571 (VCV003613571.2).

ClinVar aggregate classification (germline): Uncertain significance (1 of 4 stars; one submission).

gnomAD v4.1: 20 of 1,613,826 alleles (0.0012%); highest among the groups gnomAD compares: Non-Finnish European, 0.0014%; no homozygotes.

Submission:

Labcorp Genetics (formerly Invitae), Labcorp
Classification: Uncertain significance. Last evaluated: 2024-05-20. Review status: criteria provided, single submitter. Criteria: Invitae Variant Classification Sherloc (09022015). Collection method: clinical testing. Allele origin: germline.
Comment: This sequence change replaces valine, which is neutral and non-polar, with leucine, which is neutral and non-polar, at codon 1426 of the FN1 protein (p.Val1426Leu). This variant is present in population databases (rs776381536, gnomAD 0.003%). This variant has not been reported in the literature in individuals affected with FN1-related conditions. Algorithms developed to predict the effect of missense changes on protein structure and function output the following: SIFT: "Not Available"; PolyPhen-2: "Benign"; Align-GVGD: "Not Available". The leucine amino acid residue is found in multiple mammalian species, which suggests that this missense change does not adversely affect protein function. In summary, the available evidence is currently insufficient to determine the role of this variant in disease. Therefore, it has been classified as a Variant of Uncertain Significance.